The following is an entry in ClinVar:

ClinVar aggregate classification (germline): Uncertain significance (1 of 4 stars; one submission).

gnomAD v4.1: 2 of 1,083,380 alleles (0.00018%); highest among the groups gnomAD compares: Non-Finnish European, 0.00013%; no homozygotes.

Submission:

Labcorp Genetics (formerly Invitae), Labcorp
Classification: Uncertain significance. Last evaluated: 2024-05-21. Review status: criteria provided, single submitter. Criteria: Invitae Variant Classification Sherloc (09022015). Collection method: clinical testing. Allele origin: germline.
Comment: This sequence change replaces proline, which is neutral and non-polar, with serine, which is neutral and polar, at codon 964 of the BRD4 protein (p.Pro964Ser). This variant is not present in population databases (gnomAD no frequency). This variant has not been reported in the literature in individuals affected with BRD4-related conditions. An algorithm developed to predict the effect of missense changes on protein structure and function (PolyPhen-2) suggests that this variant is likely to be disruptive. In summary, the available evidence is currently insufficient to determine the role of this variant in disease. Therefore, it has been classified as a Variant of Uncertain Significance.

NM_001379291.1(BRD4):c.2890C>T (p.Pro964Ser)

Gene: BRD4 (bromodomain containing 4; minus strand). Cytogenetic location: 19p13.12.
Variant type: single nucleotide variant.
Coding change: c.2890C>T on transcript NM_001379291.1 (MANE Select); coding-DNA position 2890, C replaced by T.
Protein change: p.Pro964Ser; replaces proline 964 with serine.
Molecular consequence: missense variant.
Genome position (GRCh38, 1-based): chr19:15,243,179, G>A on the plus strand (C>T on the coding strand, the complement: BRD4 is on the minus strand). VCF-style: chr19-15243179-G-A. GRCh37 (hg19) VCF-style: chr19-15353990-G-A.
Other names: c.2890C>T, p.Pro964Ser (NM_058243.3); short protein forms P964S.
Identifiers: ClinVar variation 3667636 (VCV003667636.2).
Genomic context (GRCh38, chr19:15,243,179, plus strand): 5'-GCTGGGGCTGGGGTGGTGGGGGTGGTGGCGGCTGCTGCTGCAGCTGCTGCTGCACAGAGG[G>A]GTGGGGTGGGGGCGGCAGGGGGGGTGGGGGCTGGGACTGCACCTTCACGGAAGGGAGTAG-3'
Protein context (NP_001366220.1, residues 954-974): PPPPLPPPPH[Pro964Ser]SVQQQLQQQP